The following is an entry in ClinVar:

ClinVar aggregate classification (germline): Uncertain significance. Review status: criteria provided, multiple submitters, no conflicts (2 of 4 stars). 2 submissions from 2 submitters: Uncertain significance (2). Last evaluated 2025-12-17.

Allele frequency attached by ClinVar (database versions not stated): TOPMed 0.00011; ESP Exome Variant Server 0.00038.
gnomAD v4.1: 414 of 1,606,382 alleles (0.026%); highest among the groups gnomAD compares: Non-Finnish European, 0.035%; no homozygotes.

Submissions (2):

Labcorp Genetics (formerly Invitae), Labcorp
Classification: Uncertain significance. Last evaluated: 2025-12-17. Review status: criteria provided, single submitter. Criteria: Invitae Variant Classification Sherloc (09022015). Collection method: clinical testing. Allele origin: germline.
Comment: This sequence change replaces arginine, which is basic and polar, with tryptophan, which is neutral and slightly polar, at codon 185 of the TGFB1 protein (p.Arg185Trp). This variant is present in population databases (rs201055697, gnomAD 0.02%). This variant has not been reported in the literature in individuals affected with TGFB1-related conditions. ClinVar contains an entry for this variant (Variation ID: 1003441). Invitae Evidence Modeling of protein sequence and biophysical properties (such as structural, functional, and spatial information, amino acid conservation, physicochemical variation, residue mobility, and thermodynamic stability) indicates that this missense variant is not expected to disrupt TGFB1 protein function with a negative predictive value of 80%. In summary, the available evidence is currently insufficient to determine the role of this variant in disease. Therefore, it has been classified as a Variant of Uncertain Significance.

GeneDx
Classification: Uncertain significance. Last evaluated: 2022-04-15. Review status: criteria provided, single submitter. Criteria: GeneDx Variant Classification Process June 2021. Collection method: clinical testing. Allele origin: germline. Affected: yes.
Comment: Has not been previously published as pathogenic or benign to our knowledge; In silico analysis supports that this missense variant has a deleterious effect on protein structure/function; This variant is associated with the following publications: (PMID: 28166811)

NM_000660.7(TGFB1):c.553C>T (p.Arg185Trp)

Gene: TGFB1 (transforming growth factor beta 1; minus strand). Cytogenetic location: 19q13.2.
Variant type: single nucleotide variant.
Coding change: c.553C>T on transcript NM_000660.7 (MANE Select); coding-DNA position 553, C replaced by T.
Protein change: p.Arg185Trp; replaces arginine 185 with tryptophan.
Molecular consequence: missense variant.
Genome position (GRCh38, 1-based): chr19:41,344,828, G>A on the plus strand (C>T on the coding strand, the complement: TGFB1 is on the minus strand). VCF-style: chr19-41344828-G-A. GRCh37 (hg19) VCF-style: chr19-41850733-G-A.
Other names: short protein forms R185W.
Identifiers: ClinVar variation 1003441 (VCV001003441.8), dbSNP rs201055697, ClinGen allele CA9460063.